The following is an entry in ClinVar:

NM_001572.5(IRF7):c.369G>A (p.Ala123=)

Gene: IRF7 (interferon regulatory factor 7; minus strand). Cytogenetic location: 11p15.5.
Variant type: single nucleotide variant.
Coding change: c.369G>A on transcript NM_001572.5 (MANE Select); coding-DNA position 369, G replaced by A.
Protein change: p.Ala123=; no amino-acid change (alanine 123 retained).
Molecular consequence: synonymous variant.
Genome position (GRCh38, 1-based): chr11:614,822, C>T on the plus strand (G>A on the coding strand, the complement: IRF7 is on the minus strand). VCF-style: chr11-614822-C-T. GRCh37 (hg19) VCF-style: chr11-614822-C-T.
Other names: c.369G>A, p.Ala123= (NM_004029.4); c.408G>A, p.Ala136= (NM_004031.4).
Identifiers: ClinVar variation 754179 (VCV000754179.16), dbSNP rs938089899, ClinGen allele CA472434741.

ClinVar aggregate classification (germline): Likely benign. Review status: criteria provided, multiple submitters, no conflicts (2 of 4 stars). 2 submissions from 2 submitters: Likely benign (2). Last evaluated 2025-11-01.

Conditions:
Immunodeficiency 39 (IMD39). Identifiers: Orphanet 574918, MedGen C4225358, MONDO:0014597, OMIM 616345.

Allele frequency attached by ClinVar (database versions not stated): gnomAD 0.00002; TOPMed 0.00003.

Submissions (2):

CeGaT Center for Human Genetics Tuebingen
Classification: Likely benign. Last evaluated: 2025-11-01. Review status: criteria provided, single submitter. Criteria: CeGaT Center For Human Genetics Tuebingen Variant Classification Criteria Version 2. Collection method: clinical testing. Allele origin: germline. Affected: yes. Observed: 1 variant allele.
Comment: IRF7: BP4, BP7

Labcorp Genetics (formerly Invitae), Labcorp
Classification: Likely benign for Immunodeficiency 39. Last evaluated: 2025-09-10. Review status: criteria provided, single submitter. Criteria: Invitae Variant Classification Sherloc (09022015). Collection method: clinical testing. Allele origin: germline.